The following is an entry in ClinVar:

ClinVar aggregate classification (germline): Likely benign (1 of 4 stars; one submission).

Allele frequency attached by ClinVar (database versions not stated): TOPMed 0.00008; gnomAD 0.00027; gnomAD exomes 0.00037; 1000 Genomes Project 0.00060; ExAC 0.00078; 1000 Genomes Project 30x 0.00094.
gnomAD v4.1: 605 of 1,613,416 alleles (0.037%); highest among the groups gnomAD compares: South Asian, 0.6%; 9 homozygotes.

Submission:

CeGaT Center for Human Genetics Tuebingen
Classification: Likely benign. Last evaluated: 2023-02-01. Review status: criteria provided, single submitter. Criteria: CeGaT Center For Human Genetics Tuebingen Variant Classification Criteria Version 2. Collection method: clinical testing. Allele origin: germline. Affected: yes. Observed: 1 variant allele.
Comment: GEMIN5: BP4, BS2

NM_015465.5(GEMIN5):c.4246A>C (p.Ser1416Arg)

Gene: GEMIN5 (gem nuclear organelle associated protein 5; minus strand). Cytogenetic location: 5q33.2.
Variant type: single nucleotide variant.
Coding change: c.4246A>C on transcript NM_015465.5 (MANE Select); coding-DNA position 4246, A replaced by C.
Protein change: p.Ser1416Arg; replaces serine 1416 with arginine.
Molecular consequence: missense variant.
Genome position (GRCh38, 1-based): chr5:154,891,257, T>G on the plus strand (A>C on the coding strand, the complement: GEMIN5 is on the minus strand). VCF-style: chr5-154891257-T-G. GRCh37 (hg19) VCF-style: chr5-154270817-T-G.
Other names: c.4243A>C, p.Ser1415Arg (NM_001252156.2); short protein forms S1415R, S1416R.
Identifiers: ClinVar variation 2655977 (VCV002655977.24), dbSNP rs200453473, ClinGen allele CA3528193.